The following is an entry in ClinVar:

ClinVar aggregate classification (germline): Uncertain significance (1 of 4 stars; one submission).

Conditions:
Primary ciliary dyskinesia. Also called: Ciliary dyskinesia. Identifiers: Orphanet 244, MedGen C0008780, MONDO:0016575, HP:0012265.

gnomAD v4.1: 4 of 1,604,636 alleles (0.00025%); highest among the groups gnomAD compares: Non-Finnish European, 0.00034%; no homozygotes.

Submission:

Labcorp Genetics (formerly Invitae), Labcorp
Classification: Uncertain significance for Primary ciliary dyskinesia. Last evaluated: 2025-10-20. Review status: criteria provided, single submitter. Criteria: Invitae Variant Classification Sherloc (09022015). Collection method: clinical testing. Allele origin: germline.
Comment: This sequence change replaces methionine, which is neutral and non-polar, with threonine, which is neutral and polar, at codon 3045 of the DNAH11 protein (p.Met3045Thr). This variant is not present in population databases (gnomAD no frequency). This variant has not been reported in the literature in individuals affected with DNAH11-related conditions. Invitae Evidence Modeling of protein sequence and biophysical properties (such as structural, functional, and spatial information, amino acid conservation, physicochemical variation, residue mobility, and thermodynamic stability) indicates that this missense variant is not expected to disrupt DNAH11 protein function with a negative predictive value of 95%. In summary, the available evidence is currently insufficient to determine the role of this variant in disease. Therefore, it has been classified as a Variant of Uncertain Significance.

NM_001277115.2(DNAH11):c.9134T>C (p.Met3045Thr)

Gene: DNAH11 (dynein axonemal heavy chain 11; plus strand). Cytogenetic location: 7p15.3.
Variant type: single nucleotide variant.
Coding change: c.9134T>C on transcript NM_001277115.2 (MANE Select); coding-DNA position 9134, T replaced by C.
Protein change: p.Met3045Thr; replaces methionine 3045 with threonine.
Molecular consequence: missense variant.
Genome position (GRCh38, 1-based): chr7:21,773,797, T>C. VCF-style: chr7-21773797-T-C. GRCh37 (hg19) VCF-style: chr7-21813415-T-C.
Other names: short protein forms M3045T.
Identifiers: ClinVar variation 4806023 (VCV004806023.1).